The following is an entry in ClinVar:

ClinVar aggregate classification (germline): Uncertain significance (1 of 4 stars; one submission).

Submission:

GeneDx
Classification: Uncertain significance. Last evaluated: 2025-12-03. Review status: criteria provided, single submitter. Criteria: GeneDx Variant Classification Process June 2021. Collection method: clinical testing. Allele origin: germline. Affected: yes.
Comment: Not observed in large population cohorts (gnomAD); Frameshift variant predicted to result in protein truncation or nonsense mediated decay in a gene or region of a gene for which loss of function is not a well-established mechanism of disease; Has not been previously published as pathogenic or benign to our knowledge

NM_006908.5(RAC1):c.326_327insGT (p.Ile110fs)

Gene: RAC1 (Rac family small GTPase 1; plus strand). Cytogenetic location: 7p22.1.
Variant type: Insertion.
Coding change: c.326_327insGT on transcript NM_006908.5 (MANE Select); coding-DNA positions 326 to 327, GT inserted.
Protein change: p.Ile110fs; shifts the reading frame from isoleucine 110.
Molecular consequence: frameshift variant.
Genome position: GRCh38 VCF-style: chr7-6401905-C-CGT. GRCh37 (hg19) VCF-style: chr7-6441536-C-CGT.
Other names: c.383_384insGT, p.Ile129fs (NM_018890.4); short protein forms I110fs, I129fs.
Identifiers: ClinVar variation 818029 (VCV000818029.3), dbSNP rs1583271463, ClinGen allele CA915944844.